The following is an entry in ClinVar:

NM_030665.4(RAI1):c.4249A>C (p.Lys1417Gln)

Gene: RAI1 (retinoic acid induced 1; plus strand). Cytogenetic location: 17p11.2.
Variant type: single nucleotide variant.
Coding change: c.4249A>C on transcript NM_030665.4 (MANE Select); coding-DNA position 4249, A replaced by C.
Protein change: p.Lys1417Gln; replaces lysine 1417 with glutamine.
Molecular consequence: missense variant.
Genome position (GRCh38, 1-based): chr17:17,797,197, A>C. VCF-style: chr17-17797197-A-C. GRCh37 (hg19) VCF-style: chr17-17700511-A-C.
Other names: short protein forms K1417Q.
Identifiers: ClinVar variation 3620695 (VCV003620695.2).

ClinVar aggregate classification (germline): Uncertain significance (1 of 4 stars; one submission).

gnomAD v4.1: 1 of 1,613,880 alleles (0.000062%); highest among the groups gnomAD compares: Admixed American, 0.0017%; no homozygotes.

Submission:

Labcorp Genetics (formerly Invitae), Labcorp
Classification: Uncertain significance. Last evaluated: 2024-09-24. Review status: criteria provided, single submitter. Criteria: Invitae Variant Classification Sherloc (09022015). Collection method: clinical testing. Allele origin: germline.
Comment: This sequence change replaces lysine, which is basic and polar, with glutamine, which is neutral and polar, at codon 1417 of the RAI1 protein (p.Lys1417Gln). This variant is present in population databases (no rsID available, gnomAD 0.003%). This variant has not been reported in the literature in individuals affected with RAI1-related conditions. Invitae Evidence Modeling of protein sequence and biophysical properties (such as structural, functional, and spatial information, amino acid conservation, physicochemical variation, residue mobility, and thermodynamic stability) indicates that this missense variant is not expected to disrupt RAI1 protein function with a negative predictive value of 80%. In summary, the available evidence is currently insufficient to determine the role of this variant in disease. Therefore, it has been classified as a Variant of Uncertain Significance.